The following is an entry in ClinVar:

ClinVar aggregate classification (germline): Conflicting classifications of pathogenicity. Review status: criteria provided, conflicting classifications (1 of 4 stars). 3 submissions from 3 submitters: Uncertain significance (2); Likely benign (1). Last evaluated 2025-08-20.

Conditions:
Ehlers-Danlos syndrome, type 4 (EDSVASC). Also called: Ehlers-Danlos Syndrome Type IV; Ehlers-Danlos syndrome vascular type; Ehlers Danlos syndrome, ecchymotic type; Ehlers Danlos syndrome, arterial type; Ehlers Danlos syndrome, Sack-Barabas type. Identifiers: Orphanet 286, MedGen C0268338, MONDO:0017314, OMIM 130050.
Familial thoracic aortic aneurysm and aortic dissection (TAAD). Also called: Thoracic aortic aneurysms and dissections. Identifiers: Orphanet 91387, MedGen C4707243, MONDO:0019625.

Allele frequency attached by ClinVar (database versions not stated): ExAC 0.00002; gnomAD exomes 0.00002; TOPMed 0.00002; gnomAD 0.00003 and 0.00004; ESP Exome Variant Server 0.00008; 1000 Genomes Project 30x 0.00016; 1000 Genomes Project 0.00020.
gnomAD v4.1: 12 of 1,613,318 alleles (0.00074%); highest among the groups gnomAD compares: African/African-American, 0.011%; no homozygotes.

Submissions (3):

Color Diagnostics, LLC DBA Color Health
Classification: Uncertain significance for Familial thoracic aortic aneurysm and aortic dissection. Last evaluated: 2025-08-20. Review status: criteria provided, single submitter. Criteria: ACMG Guidelines, 2015. Collection method: clinical testing. Allele origin: germline.
Comment: This variant causes an A to T nucleotide substitution at the +6 position of intron 29 of the COL3A1 gene. To our knowledge, functional studies have not been reported for this variant. This variant has not been reported in individuals affected with COL3A1-related disorders in the literature. This variant has been identified in 5/250966 chromosomes in the general population by the Genome Aggregation Database (gnomAD). The available evidence is insufficient to determine the role of this variant in disease conclusively. Therefore, this variant is classified as a Variant of Uncertain Significance.

Labcorp Genetics (formerly Invitae), Labcorp
Classification: Uncertain significance for Ehlers-Danlos syndrome, type 4. Last evaluated: 2021-09-01. Review status: criteria provided, single submitter. Criteria: Invitae Variant Classification Sherloc (09022015). Collection method: clinical testing. Allele origin: germline.
Comment: This sequence change falls in intron 29 of the COL3A1 gene. It does not directly change the encoded amino acid sequence of the COL3A1 protein. It affects a nucleotide within the consensus splice site of the intron. This variant is present in population databases (rs368117488, ExAC 0.01%). This variant has not been reported in the literature in individuals affected with COL3A1-related conditions. ClinVar contains an entry for this variant (Variation ID: 404296). Variants that disrupt the consensus splice site are a relatively common cause of aberrant splicing (PMID: 17576681, 9536098). Algorithms developed to predict the effect of sequence changes on RNA splicing suggest that this variant is not likely to affect RNA splicing. In summary, the available evidence is currently insufficient to determine the role of this variant in disease. Therefore, it has been classified as a Variant of Uncertain Significance.

GeneDx
Classification: Likely benign. Last evaluated: 2018-05-17. Review status: criteria provided, single submitter. Criteria: GeneDx Variant Classification (06012015). Collection method: clinical testing. Allele origin: germline. Affected: yes.
Comment: This variant is considered likely benign or benign based on one or more of the following criteria: it is a conservative change, it occurs at a poorly conserved position in the protein, it is predicted to be benign by multiple in silico algorithms, and/or has population frequency not consistent with disease.

Literature cited by the submitters: PubMed 17576681 (cited by Labcorp Genetics (formerly Invitae), Labcorp); PubMed 9536098 (cited by Labcorp Genetics (formerly Invitae), Labcorp).

NM_000090.4(COL3A1):c.2022+6A>T

Gene: COL3A1 (collagen type III alpha 1 chain; plus strand). Cytogenetic location: 2q32.2.
Variant type: single nucleotide variant.
Coding change: c.2022+6A>T on transcript NM_000090.4 (MANE Select); 6 bases into the intron after coding-DNA position 2022, A replaced by T.
Molecular consequence: intron variant.
Genome position (GRCh38, 1-based): chr2:188,998,724, A>T. VCF-style: chr2-188998724-A-T. GRCh37 (hg19) VCF-style: chr2-189863450-A-T.
Identifiers: ClinVar variation 404296 (VCV000404296.9), dbSNP rs368117488, ClinGen allele CA074937.